The following is an entry in ClinVar:

ClinVar aggregate classification (germline): Uncertain significance (1 of 4 stars; one submission).

Submission:

Women's Health and Genetics/Laboratory Corporation of America, LabCorp
Classification: Uncertain significance. Last evaluated: 2025-11-13. Review status: criteria provided, single submitter. Criteria: LabCorp Variant Classification Summary - May 2015. Collection method: clinical testing. Allele origin: germline.
Comment: Variant summary: GALC c.1912G>T (p.Gly638Cys) results in a non-conservative amino acid change in the encoded protein sequence. Algorithms developed to predict the effect of missense changes on protein structure and function all suggest that this variant is likely to be disruptive. Several computational tools predict a significant impact on normal splicing: Three predict the variant weakens a 3' acceptor site. One predicts the variant no significant impact on splicing. However, these predictions have yet to be confirmed by functional studies. The variant was absent in 246188 control chromosomes. The available data on variant occurrences in the general population are insufficient to allow any conclusion about variant significance. To our knowledge, no occurrence of c.1912G>T in individuals affected with GALC-related conditions and no experimental evidence demonstrating its impact on protein function have been reported. No submitters have cited clinical-significance assessments for this variant to ClinVar. Based on the evidence outlined above, the variant was classified as uncertain significance.

NM_000153.4(GALC):c.1912G>T (p.Gly638Cys)

Gene: GALC (galactosylceramidase; minus strand). Cytogenetic location: 14q31.3.
Variant type: single nucleotide variant.
Coding change: c.1912G>T on transcript NM_000153.4 (MANE Select); coding-DNA position 1912, G replaced by T.
Protein change: p.Gly638Cys; replaces glycine 638 with cysteine.
Molecular consequence: missense variant. On other transcripts: non-coding transcript variant (1), intron variant (1).
Genome position (GRCh38, 1-based): chr14:87,934,878, C>A on the plus strand (G>T on the coding strand, the complement: GALC is on the minus strand). VCF-style: chr14-87934878-C-A. GRCh37 (hg19) VCF-style: chr14-88401222-C-A.
Other names: c.1279G>T, p.Gly427Cys (NM_001424076.1, NM_001424077.1); c.1744-879G>T (NM_001424073.1); c.1843G>T, p.Gly615Cys (NM_001201401.2); c.1834G>T, p.Gly612Cys (NM_001201402.2); c.1744G>T, p.Gly582Cys (NM_001424071.1, NM_001424072.1); c.1564G>T, p.Gly522Cys (NM_001424074.1, NM_001424075.1); short protein forms G427C, G522C, G582C, G612C, G615C, G638C.
Identifiers: ClinVar variation 4536727 (VCV004536727.1).